The following is an entry in ClinVar:

NM_000038.6(APC):c.1748C>A (p.Ser583Ter)

Gene: APC (APC regulator of Wnt signaling pathway; plus strand). Cytogenetic location: 5q22.2.
Variant type: single nucleotide variant.
Coding change: c.1748C>A on transcript NM_000038.6 (MANE Select); coding-DNA position 1748, C replaced by A.
Protein change: p.Ser583Ter; replaces serine 583 with a stop codon.
Molecular consequence: nonsense. On other transcripts: non-coding transcript variant (2).
Genome position (GRCh38, 1-based): chr5:112,834,955, C>A. VCF-style: chr5-112834955-C-A. GRCh37 (hg19) VCF-style: chr5-112170652-C-A.
Other names: c.1748C>A, p.Ser583Ter (NM_001127510.3, NM_001354895.2, NM_001407450.1); c.1694C>A, p.Ser565Ter (NM_001127511.3); c.1802C>A, p.Ser601Ter (NM_001354896.2, NM_001407447.1, NM_001407448.1 and 1 more transcripts); c.1778C>A, p.Ser593Ter (NM_001354897.2); c.1673C>A, p.Ser558Ter (NM_001354898.2); c.1664C>A, p.Ser555Ter (NM_001354899.2); c.1625C>A, p.Ser542Ter (NM_001354900.2); c.1571C>A, p.Ser524Ter (NM_001354901.2, NM_001407453.1); and 11 more; short protein forms S199*, S300*, S423*, S454*, S457*, S482*, S492*, S500*.
Identifiers: ClinVar variation 2583983 (VCV002583983.2), dbSNP rs2149840797, ClinGen allele CA16025137.

ClinVar aggregate classification (germline): Pathogenic/Likely pathogenic. Review status: criteria provided, multiple submitters, no conflicts (2 of 4 stars). 2 submissions from 2 submitters: Pathogenic (1); Likely pathogenic (1). Last evaluated 2024-02-13.

Conditions:
Familial adenomatous polyposis 1 (FAP1). Also called: FAMILIAL ADENOMATOUS POLYPOSIS 1, ATTENUATED; POLYPOSIS, ADENOMATOUS INTESTINAL. Identifiers: MedGen C2713442, MONDO:0021056, OMIM 175100. Disease mechanism: loss of function.
APC-related disorder. Also called: APC-related condition.

Submissions (2):

Blueprint Genetics
Classification: Likely pathogenic for APC-related disorders. Last evaluated: 2024-02-13. Review status: criteria provided, single submitter. Criteria: ACMG Guidelines, 2015. Collection method: clinical testing. Allele origin: germline. Affected: yes. Observed: 1 variant allele.

Myriad Genetics, Inc.
Classification: Pathogenic for Familial adenomatous polyposis 1. Last evaluated: 2023-05-03. Review status: criteria provided, single submitter. Criteria: Myriad Autosomal Dominant, Autosomal Recessive and X-Linked Classification Criteria (2023). Collection method: clinical testing. Allele origin: unknown.
Comment: This variant is considered pathogenic. This variant creates a termination codon and is predicted to result in premature protein truncation.